The following is an entry in ClinVar:

ClinVar aggregate classification (germline): Uncertain significance (1 of 4 stars; one submission).

Allele frequency attached by ClinVar (database versions not stated): gnomAD exomes below 0.00001.
gnomAD v4.1: 2 of 1,614,172 alleles (0.00012%); highest among the groups gnomAD compares: Non-Finnish European, 0.00017%; no homozygotes.

Submission:

GeneDx
Classification: Uncertain significance. Last evaluated: 2022-07-01. Review status: criteria provided, single submitter. Criteria: GeneDx Variant Classification Process June 2021. Collection method: clinical testing. Allele origin: germline. Affected: yes.
Comment: Not observed at significant frequency in large population cohorts (gnomAD); In silico analysis supports that this missense variant does not alter protein structure/function; Has not been previously published as pathogenic or benign to our knowledge

NM_001282531.3(ADNP):c.808C>G (p.Leu270Val)

Gene: ADNP (activity dependent neuroprotector homeobox; minus strand). Cytogenetic location: 20q13.13.
Variant type: single nucleotide variant.
Coding change: c.808C>G on transcript NM_001282531.3 (MANE Select); coding-DNA position 808, C replaced by G.
Protein change: p.Leu270Val; replaces leucine 270 with valine.
Molecular consequence: missense variant.
Genome position (GRCh38, 1-based): chr20:50,893,906, G>C on the plus strand (C>G on the coding strand, the complement: ADNP is on the minus strand). VCF-style: chr20-50893906-G-C. GRCh37 (hg19) VCF-style: chr20-49510443-G-C.
Other names: c.808C>G, p.Leu270Val (NM_001282532.2, NM_001347511.2, NM_015339.5 and 1 more transcripts); short protein forms L270V.
Identifiers: ClinVar variation 1809894 (VCV001809894.1), dbSNP rs2122760156, ClinGen allele CA408975703.